The following is an entry in ClinVar:

ClinVar aggregate classification (germline): Pathogenic (1 of 4 stars; one submission).

Conditions:
Hereditary spherocytosis type 1. Also called: Spherocytosis type 1; ANK1-Related Spherocytosis. Identifiers: Orphanet 822, MedGen C2674218, MONDO:0008447, OMIM 182900.

Submission:

Molecular Genetics Laboratory, Motol Hospital
Classification: Pathogenic for Hereditary spherocytosis type 1. Last evaluated: 2025-09-15. Review status: criteria provided, single submitter. Criteria: ACMG Guidelines, 2015. Collection method: clinical testing. Allele origin: germline. Affected: yes. Observed: 2 variant alleles.
Comment: Variant not present in gnomAD (v4.1.0), dbSNP or ClinVar (PM2). Rare truncating variants affecting the ANK1 gene are associated with autosomal dominant "spherocytosis type1" (SPH1, MIM:182900; PMID:8640229;PMID:36598564;PMID:36816036;PMID:30777044;PMID:9470011) (PVS1). To conclude, the variant is classified as likely pathogenic (ACMG PM2, PP1, PVS1).

Literature cited by the submitters: PubMed 8640229; PubMed 36598564; PubMed 36816036; PubMed 30777044; PubMed 9470011.

NM_000037.4(ANK1):c.4340_4355del (p.Ser1447fs)

Gene: ANK1 (ankyrin 1; minus strand). Cytogenetic location: 8p11.21.
Variant type: Deletion.
Coding change: c.4340_4355del on transcript NM_000037.4 (MANE Select); coding-DNA positions 4340 to 4355, 16 bases deleted (GTGTGGCCTTGCTGAA).
Protein change: p.Ser1447fs; shifts the reading frame from serine 1447.
Molecular consequence: frameshift variant.
Genome position (GRCh38, 1-based): chr8:41,686,187-41,686,202, TTCAGCAAGGCCACAC deleted on the plus strand (GTGTGGCCTTGCTGAA on the coding strand, the reverse complement: ANK1 is on the minus strand); deleting any 16 consecutive bases within chr8:41,686,187-41,686,203 gives the same sequence; the c. name uses the placement nearest the transcript's 3' end. VCF-style (leftmost placement, unchanged base first): chr8-41686186-GTTCAGCAAGGCCACAC-G. GRCh37 (hg19) VCF-style: chr8-41543704-GTTCAGCAAGGCCACAC-G.
Other names: c.4463_4478del, p.Ser1488fs (NM_001142446.2); c.4340_4355del, p.Ser1447fs (NM_020475.3, NM_020476.3, NM_020477.3); short protein forms S1447fs, S1488fs.
Identifiers: ClinVar variation 4086076 (VCV004086076.1).
Genomic context (GRCh38, chr8:41,686,186, plus strand): 5'-GGCTTCCTCAGTGGGACGGTACTGACTGTTTGCGTTTTGGCCTTCACGGATGACCCAGAG[GTTCAGCAAGGCCACAC>G]TCTGCTCCAACAGGGAGTTGGGATTTTCCACTCGGATCCTGTTGATGTCTTCCACACTGA-3'